The following is an entry in ClinVar:

ClinVar aggregate classification (germline): Uncertain significance (1 of 4 stars; one submission).

Conditions:
Early-infantile DEE. Also called: Ohtahara syndrome; Early infantile epileptic encephalopathy with suppression bursts; Early infantile epileptic encephalopathy. Identifiers: Orphanet 1934, MedGen C0393706, MONDO:0800491.

Allele frequency attached by ClinVar (database versions not stated): gnomAD exomes below 0.00001.

Submission:

Labcorp Genetics (formerly Invitae), Labcorp
Classification: Uncertain significance for Early-infantile DEE. Last evaluated: 2020-07-07. Review status: criteria provided, single submitter. Criteria: Invitae Variant Classification Sherloc (09022015). Collection method: clinical testing. Allele origin: germline.
Comment: Algorithms developed to predict the effect of missense changes on protein structure and function are either unavailable or do not agree on the potential impact of this missense change (SIFT: "Deleterious"; PolyPhen-2: "Benign"; Align-GVGD: "Class C15"). In summary, the available evidence is currently insufficient to determine the role of this variant in disease. Therefore, it has been classified as a Variant of Uncertain Significance. This variant has not been reported in the literature in individuals with SLC25A22-related conditions. This variant is not present in population databases (ExAC no frequency). This sequence change replaces aspartic acid with asparagine at codon 97 of the SLC25A22 protein (p.Asp97Asn). The aspartic acid residue is highly conserved and there is a small physicochemical difference between aspartic acid and asparagine.

NM_001191061.2(SLC25A22):c.289G>A (p.Asp97Asn)

Gene: SLC25A22 (solute carrier family 25 member 22; minus strand). Cytogenetic location: 11p15.5.
Variant type: single nucleotide variant.
Coding change: c.289G>A on transcript NM_001191061.2 (MANE Select); coding-DNA position 289, G replaced by A.
Protein change: p.Asp97Asn; replaces aspartic acid 97 with asparagine.
Molecular consequence: missense variant.
Genome position (GRCh38, 1-based): chr11:793,533, C>T on the plus strand (G>A on the coding strand, the complement: SLC25A22 is on the minus strand). VCF-style: chr11-793533-C-T. GRCh37 (hg19) VCF-style: chr11-793533-C-T.
Other names: c.289G>A, p.Asp97Asn (NM_001191060.2, NM_024698.6); short protein forms D97N.
Identifiers: ClinVar variation 1054945 (VCV001054945.10), dbSNP rs2133706158, ClinGen allele CA378920793.